The following is an entry in ClinVar:

ClinVar aggregate classification (germline): Uncertain significance (1 of 4 stars; one submission).

Conditions:
Inborn genetic diseases. Identifiers: MedGen C0950123, MeSH D030342.

Submission:

Ambry Genetics
Classification: Uncertain significance for Inborn genetic diseases. Last evaluated: 2025-03-29. Review status: criteria provided, single submitter. Criteria: Ambry Variant Classification Scheme 2023. Collection method: clinical testing. Allele origin: germline.
Comment: The p.G309R variant (also known as c.925G>A), located in coding exon 3 of the SH2B3 gene, results from a G to A substitution at nucleotide position 925. The glycine at codon 309 is replaced by arginine, an amino acid with dissimilar properties. This amino acid position is conserved. In addition, this alteration is predicted to be tolerated by in silico analysis. Based on the available evidence, the clinical significance of this variant remains unclear.

NM_005475.3(SH2B3):c.925G>A (p.Gly309Arg)

Gene: SH2B3 (SH2B adaptor protein 3; plus strand). Cytogenetic location: 12q24.12.
Variant type: single nucleotide variant.
Coding change: c.925G>A on transcript NM_005475.3 (MANE Select); coding-DNA position 925, G replaced by A.
Protein change: p.Gly309Arg; replaces glycine 309 with arginine.
Molecular consequence: missense variant.
Genome position (GRCh38, 1-based): chr12:111,447,032, G>A. VCF-style: chr12-111447032-G-A. GRCh37 (hg19) VCF-style: chr12-111884836-G-A.
Other names: c.319G>A, p.Gly107Arg (NM_001291424.1); short protein forms G107R, G309R.
Identifiers: ClinVar variation 3953401 (VCV003953401.1).
Genomic context (GRCh38, chr12:111,447,032, plus strand): 5'-GTGGGAGACGAGCAGCAGCTGAATTCATGGATGGCTGAGCTCTCGGAGTGCACAGGCCGA[G>A]GGTGAGGTCCTGGGCCCTCGTCCCTGGCACCACCTTTGCTGCTACCACCCCTGACCTGCC-3'
Protein context (NP_005466.1, residues 299-319): MAELSECTGR[Gly309Arg]LESTEAEMHI